The following is an entry in ClinVar:

ClinVar aggregate classification (germline): Likely benign (0 of 4 stars; one submission).

Conditions:
NF1-related disorder. Also called: NF1-related condition. Identifiers: MedGen CN379171.

Allele frequency attached by ClinVar (database versions not stated): gnomAD 0.00003; TOPMed 0.00006.
gnomAD v4.1: 63 of 1,537,430 alleles (0.0041%); highest among the groups gnomAD compares: Non-Finnish European, 0.0047%; no homozygotes.

Submission:

PreventionGenetics, part of Exact Sciences
Classification: Likely benign for NF1-related condition. Last evaluated: 2020-03-27. Review status: no assertion criteria provided. Collection method: clinical testing. Allele origin: germline.
Comment: This variant is classified as likely benign based on ACMG/AMP sequence variant interpretation guidelines (Richards et al. 2015 PMID: 25741868, with internal and published modifications).

NM_001042492.3(NF1):c.60+22G>A

Genes: MIR4733HG (MIR4733 host gene; minus strand), NF1 (neurofibromin 1; plus strand). Cytogenetic location: 17q11.2.
Variant type: single nucleotide variant.
Coding change: c.60+22G>A on transcript NM_001042492.3 (MANE Select); 22 bases into the intron after coding-DNA position 60, G replaced by A.
Molecular consequence: intron variant. On other transcripts: non-coding transcript variant (1).
Genome position (GRCh38, 1-based): chr17:31,095,391, G>A. VCF-style: chr17-31095391-G-A. GRCh37 (hg19) VCF-style: chr17-29422409-G-A.
Other names: c.60+22G>A (NM_000267.4, NM_001128147.3).
Identifiers: ClinVar variation 3054295 (VCV003054295.2), dbSNP rs769174376, ClinGen allele CA8485442.